The following is an entry in ClinVar:

ClinVar aggregate classification (germline): Likely benign (1 of 4 stars; one submission).

Conditions:
ISL1-related disorder. Also called: ISL1-related condition.

gnomAD v4.1: 3 of 1,613,562 alleles (0.00019%); highest among the groups gnomAD compares: Admixed American, 0.0017%; no homozygotes.

Submission:

PreventionGenetics, part of Exact Sciences
Classification: Likely benign for ISL1-related condition. Last evaluated: 2025-06-06. Review status: criteria provided, single submitter. Criteria: ACMG Guidelines, 2015. Collection method: clinical testing. Allele origin: germline.
Comment: This variant is classified as likely benign based on ACMG/AMP sequence variant interpretation guidelines (Richards et al. 2015 PMID: 25741868, with internal and published modifications).

NM_002202.3(ISL1):c.29-9T>C

Gene: ISL1 (ISL LIM homeobox 1; plus strand). Cytogenetic location: 5q11.1.
Variant type: single nucleotide variant.
Coding change: c.29-9T>C on transcript NM_002202.3 (MANE Select); 9 bases into the intron before coding-DNA position 29, T replaced by C.
Molecular consequence: intron variant.
Genome position (GRCh38, 1-based): chr5:51,384,532, T>C. VCF-style: chr5-51384532-T-C. GRCh37 (hg19) VCF-style: chr5-50680366-T-C.
Identifiers: ClinVar variation 4979661 (VCV004979661.1).